The following is an entry in ClinVar:

NM_002529.4(NTRK1):c.2059_2086del (p.Thr687fs)

Gene: NTRK1 (neurotrophic receptor tyrosine kinase 1; plus strand). Cytogenetic location: 1q23.1.
Variant type: Deletion.
Coding change: c.2059_2086del on transcript NM_002529.4 (MANE Select); coding-DNA positions 2059 to 2086, 28 bases deleted (ACCATGCTGCCCATTCGCTGGATGCCGC).
Protein change: p.Thr687fs; shifts the reading frame from threonine 687.
Molecular consequence: frameshift variant.
Genome position (GRCh38, 1-based): chr1:156,880,011-156,880,038, ACCATGCTGCCCATTCGCTGGATGCCGC deleted; deleting any 28 consecutive bases within chr1:156,880,006-156,880,038 gives the same sequence; the c. name uses the placement nearest the transcript's 3' end. VCF-style (leftmost placement, unchanged base first): chr1-156880005-GGCCGCACCATGCTGCCCATTCGCTGGAT-G. GRCh37 (hg19) VCF-style: chr1-156849797-GGCCGCACCATGCTGCCCATTCGCTGGAT-G.
Other names: c.2059_2086del28, p.Thr687Profs (NM_001007204.1); c.1951_1978del, p.Thr651fs (NM_001007792.1); c.2041_2068del, p.Thr681fs (NM_001012331.2); short protein forms T651fs, T681fs, T687fs.
Identifiers: ClinVar variation 2831399 (VCV002831399.3), dbSNP rs2525659893, ClinGen allele CA2739275328.
Genomic context (GRCh38, chr1:156,880,005, plus strand): 5'-TTGACGGGCTGTCCCAGGCGCCCCTGGAATTGATGCAGTGTCCGCCCGTGGCAGGTGGGA[GGCCGCACCATGCTGCCCATTCGCTGGAT>G]GCCGCCCGAGAGCATCCTGTACCGTAAGTTCACCACCGAGAGCGACGTGTGGAGCTTCGG-3'

ClinVar aggregate classification (germline): Pathogenic (1 of 4 stars; one submission).

Conditions:
Hereditary insensitivity to pain with anhidrosis (CIPA). Also called: hereditary sensory and autonomic neuropathy type 4; NEUROPATHY, CONGENITAL SENSORY, WITH ANHIDROSIS; HSAN Type IV; INSENSITIVITY TO PAIN, CONGENITAL, WITH ANHIDROSIS; NTRK1 Congenital Insensitivity to Pain with Anhidrosis; FAMILIAL DYSAUTONOMIA, TYPE II. Identifiers: Orphanet 642, MedGen C0020074, MONDO:0009746, OMIM 256800.

Submission:

Labcorp Genetics (formerly Invitae), Labcorp
Classification: Pathogenic for Hereditary insensitivity to pain with anhidrosis. Last evaluated: 2023-01-24. Review status: criteria provided, single submitter. Criteria: Invitae Variant Classification Sherloc (09022015). Collection method: clinical testing. Allele origin: germline.
Comment: For these reasons, this variant has been classified as Pathogenic. This sequence change results in a frameshift in the NTRK1 gene (p.Thr681Profs*124). While this is not anticipated to result in nonsense mediated decay, it is expected to disrupt the last 110 amino acid(s) of the NTRK1 protein and extend the protein by 13 additional amino acid residues. This variant is not present in population databases (gnomAD no frequency). This variant has not been reported in the literature in individuals affected with NTRK1-related conditions. This variant disrupts a region of the NTRK1 protein in which other variant(s) (p.Pro762Leu ) have been determined to be pathogenic (PMID: 15534759, 22032467, 23112235). This suggests that this is a clinically significant region of the protein, and that variants that disrupt it are likely to be disease-causing.

Literature cited by the submitters: PubMed 15534759; PubMed 22032467; PubMed 23112235.